The following is an entry in ClinVar:

ClinVar aggregate classification (germline): Uncertain significance. Review status: criteria provided, multiple submitters, no conflicts (2 of 4 stars). 3 submissions from 3 submitters: Uncertain significance (3). Last evaluated 2025-11-17.

Conditions:
Hereditary cancer-predisposing syndrome. Also called: Tumor predisposition; Hereditary neoplastic syndrome; Hereditary Cancer Syndrome; Neoplastic Syndromes, Hereditary. Identifiers: Orphanet 140162, MedGen C0027672, MeSH D009386, MONDO:0015356.
Familial cancer of breast. Also called: hereditary breast carcinoma; BREAST CANCER, FAMILIAL; Hereditary breast cancer. Identifiers: Orphanet 227535, MedGen C0346153, MONDO:0016419, OMIM 114480. Disease mechanism: loss of function.

Allele frequency attached by ClinVar (database versions not stated): gnomAD exomes below 0.00001.
gnomAD v4.1: 1 of 1,613,086 alleles (0.000062%); highest among the groups gnomAD compares: Non-Finnish European, 0.000085%; no homozygotes.

Submissions (3):

Ambry Genetics
Classification: Uncertain significance for Hereditary cancer-predisposing syndrome. Last evaluated: 2025-11-17. Review status: criteria provided, single submitter. Criteria: Ambry Variant Classification Scheme 2023. Collection method: clinical testing. Allele origin: germline.
Comment: The p.E59K variant (also known as c.175G>A), located in coding exon 2 of the BARD1 gene, results from a G to A substitution at nucleotide position 175. The glutamic acid at codon 59 is replaced by lysine, an amino acid with similar properties. This amino acid position is conserved. In addition, the in silico prediction for this alteration is inconclusive. Based on the available evidence, the clinical significance of this variant remains unclear.

GeneDx
Classification: Uncertain significance. Last evaluated: 2024-12-09. Review status: criteria provided, single submitter. Criteria: GeneDx Variant Classification Process June 2021. Collection method: clinical testing. Allele origin: germline. Affected: yes.
Comment: Not observed at significant frequency in large population cohorts (gnomAD); In silico analysis indicates that this missense variant does not alter protein structure/function; Has not been previously published as pathogenic or benign to our knowledge; This variant is associated with the following publications: (PMID: 18480049)

Labcorp Genetics (formerly Invitae), Labcorp
Classification: Uncertain significance for Familial cancer of breast. Last evaluated: 2023-07-08. Review status: criteria provided, single submitter. Criteria: Invitae Variant Classification Sherloc (09022015). Collection method: clinical testing. Allele origin: germline.
Comment: In summary, the available evidence is currently insufficient to determine the role of this variant in disease. Therefore, it has been classified as a Variant of Uncertain Significance. An algorithm developed to predict the effect of missense changes on protein structure and function (PolyPhen-2) suggests that this variant is likely to be tolerated. ClinVar contains an entry for this variant (Variation ID: 577297). This variant has not been reported in the literature in individuals affected with BARD1-related conditions. This variant is not present in population databases (gnomAD no frequency). This sequence change replaces glutamic acid, which is acidic and polar, with lysine, which is basic and polar, at codon 59 of the BARD1 protein (p.Glu59Lys).

NM_000465.4(BARD1):c.175G>A (p.Glu59Lys)

Gene: BARD1 (BRCA1 associated RING domain 1; minus strand). Cytogenetic location: 2q35.
Variant type: single nucleotide variant.
Coding change: c.175G>A on transcript NM_000465.4 (MANE Select); coding-DNA position 175, G replaced by A.
Protein change: p.Glu59Lys; replaces glutamic acid 59 with lysine.
Molecular consequence: missense variant. On other transcripts: non-coding transcript variant (2), intron variant (2).
Genome position (GRCh38, 1-based): chr2:214,797,101, C>T on the plus strand (G>A on the coding strand, the complement: BARD1 is on the minus strand). VCF-style: chr2-214797101-C-T. GRCh37 (hg19) VCF-style: chr2-215661825-C-T.
Other names: c.175G>A, p.Glu59Lys (NM_001282545.2, NM_001282549.2); c.158+12311G>A (NM_001282548.2); c.159-4656G>A (NM_001282543.2); c.175G>A (NM_000465.2); short protein forms E59K.
Identifiers: ClinVar variation 577297 (VCV000577297.11), dbSNP rs1559441880, ClinGen allele CA350462298.